The following is an entry in ClinVar:

ClinVar aggregate classification (germline): Likely benign (1 of 4 stars; one submission).

Allele frequency attached by ClinVar (database versions not stated): 1000 Genomes Project 0.00140; 1000 Genomes Project 30x 0.00156; ExAC 0.00204; TOPMed 0.00220; gnomAD 0.00248; gnomAD exomes 0.00255.
gnomAD v4.1: 1,201 of 471,210 alleles (0.25%); highest among the groups gnomAD compares: Non-Finnish European, 0.37%; 4 homozygotes.

Submission:

CeGaT Center for Human Genetics Tuebingen
Classification: Likely benign. Last evaluated: 2023-03-01. Review status: criteria provided, single submitter. Criteria: CeGaT Center For Human Genetics Tuebingen Variant Classification Criteria Version 2. Collection method: clinical testing. Allele origin: germline. Affected: yes. Observed: 1 variant allele.
Comment: ERGIC1: BS2

NM_001031711.3(ERGIC1):c.375+758C>T

Gene: ERGIC1 (endoplasmic reticulum-golgi intermediate compartment 1; plus strand). Cytogenetic location: 5q35.1.
Variant type: single nucleotide variant.
Coding change: c.375+758C>T on transcript NM_001031711.3 (MANE Select); 758 bases into the intron after coding-DNA position 375, C replaced by T.
Molecular consequence: intron variant.
Genome position (GRCh38, 1-based): chr5:172,915,596, C>T. VCF-style: chr5-172915596-C-T. GRCh37 (hg19) VCF-style: chr5-172342599-C-T.
Identifiers: ClinVar variation 2656080 (VCV002656080.24), dbSNP rs145748219, ClinGen allele CA3562324.